The following is an entry in ClinVar:

ClinVar aggregate classification (germline): Uncertain significance (1 of 4 stars; one submission).

gnomAD v4.1: 1 of 1,607,964 alleles (0.000062%); highest among the groups gnomAD compares: Non-Finnish European, 0.000085%; no homozygotes.

Submission:

GeneDx
Classification: Uncertain significance. Last evaluated: 2023-04-07. Review status: criteria provided, single submitter. Criteria: GeneDx Variant Classification Process June 2021. Collection method: clinical testing. Allele origin: germline. Affected: yes.
Comment: Not observed at significant frequency in large population cohorts (gnomAD); In silico analysis supports that this missense variant has a deleterious effect on protein structure/function; Has not been previously published as pathogenic or benign to our knowledge

NM_016824.5(ADD3):c.533G>A (p.Gly178Asp)

Gene: ADD3 (adducin 3; plus strand). Cytogenetic location: 10q25.2.
Variant type: single nucleotide variant.
Coding change: c.533G>A on transcript NM_016824.5 (MANE Select); coding-DNA position 533, G replaced by A.
Protein change: p.Gly178Asp; replaces glycine 178 with aspartic acid.
Molecular consequence: missense variant.
Genome position (GRCh38, 1-based): chr10:110,117,388, G>A. VCF-style: chr10-110117388-G-A. GRCh37 (hg19) VCF-style: chr10-111877146-G-A.
Other names: c.533G>A, p.Gly178Asp (NM_001121.4, NM_001320591.2, NM_001320592.2 and 2 more transcripts); c.299G>A, p.Gly100Asp (NM_001320594.2); short protein forms G100D, G178D.
Identifiers: ClinVar variation 2662524 (VCV002662524.1), dbSNP rs2495936712, ClinGen allele CA378366816.
Genomic context (GRCh38, chr10:110,117,388, plus strand): 5'-GTTTTTTTTTCCAGGTAAGAATAAGTAAGGAGCAAGACCACATTATAATAATTCCCAGAG[G>A]CCTATCTTTTTCTGAAGCTACAGCCTCCAATTTGGTATAATTTTCCATTCCTGTGTTGCT-3'
Protein context (NP_058432.1, residues 168-188): EQDHIIIIPR[Gly178Asp]LSFSEATASN